The following is an entry in ClinVar:

ClinVar aggregate classification (germline): Pathogenic (0 of 4 stars; one submission).

Conditions:
Aplastic anemia. Identifiers: Orphanet 182040, Orphanet 88, MedGen C0002874, MONDO:0015909, OMIM 609135, HP:0001915.

Submission:

GeneReviews
Classification: Pathogenic for Dyskeratosis Congenita. Last evaluated: 2012-05-10. Review status: no assertion criteria provided. Collection method: curation. Allele origin: unknown.
ClinVar note: Converted during submission from pathologic to Pathogenic.

NR_001566.3(TERC):n.389_390delCC

Gene: TERC (telomerase RNA component; minus strand). Cytogenetic location: 3q26.2.
Variant type: Deletion.
Genome position: GRCh38 VCF-style: chr3-169764668-CGG-C. GRCh37 (hg19) VCF-style: chr3-169482456-CGG-C.
Other names: NR_001566.1:r.391_392delcc(delta389-390).
Identifiers: ClinVar variation 39294 (VCV000039294.3), dbSNP rs199422283, ClinGen allele CA343766.